The following is an entry in ClinVar:

ClinVar aggregate classification (germline): Uncertain significance. Review status: criteria provided, multiple submitters, no conflicts (2 of 4 stars). 2 submissions from 2 submitters: Uncertain significance (2). Last evaluated 2025-02-12.

Conditions:
Inborn genetic diseases. Identifiers: MedGen C0950123, MeSH D030342.

gnomAD v4.1: 103 of 1,613,642 alleles (0.0064%); highest among the groups gnomAD compares: South Asian, 0.011%; no homozygotes.

Submissions (2):

Ambry Genetics
Classification: Uncertain significance for Inborn genetic diseases. Last evaluated: 2025-02-12. Review status: criteria provided, single submitter. Criteria: Ambry Variant Classification Scheme 2023. Collection method: clinical testing. Allele origin: germline.

GeneDx
Classification: Uncertain significance. Last evaluated: 2019-07-01. Review status: criteria provided, single submitter. Criteria: GeneDx Variant Classification Process June 2021. Collection method: clinical testing. Allele origin: germline. Affected: yes.
Comment: In silico analysis, which includes protein predictors and evolutionary conservation, supports a deleterious effect; Has not been previously published as pathogenic or benign to our knowledge; Variants in candidate genes are classified as variants of uncertain significance in accordance with ACMG guidelines (Richards et al., 2015)

NM_014704.4(CEP104):c.1082C>T (p.Pro361Leu)

Gene: CEP104 (centrosomal protein 104; minus strand). Cytogenetic location: 1p36.32.
Variant type: single nucleotide variant.
Coding change: c.1082C>T on transcript NM_014704.4 (MANE Select); coding-DNA position 1082, C replaced by T.
Protein change: p.Pro361Leu; replaces proline 361 with leucine.
Molecular consequence: missense variant.
Genome position (GRCh38, 1-based): chr1:3,837,329, G>A on the plus strand (C>T on the coding strand, the complement: CEP104 is on the minus strand). VCF-style: chr1-3837329-G-A. GRCh37 (hg19) VCF-style: chr1-3753893-G-A.
Other names: short protein forms P361L.
Identifiers: ClinVar variation 1306840 (VCV001306840.5), dbSNP rs369557437, ClinGen allele CA551738.
Genomic context (GRCh38, chr1:3,837,329, plus strand): 5'-CAATCTGAAACAGAATTACCTACATTGATCTTTGGATGAGGATCTGTGGCAGGGAGTAAC[G>A]GGTCTACTGCAGAATGCTGAGGAGAAATAGTTAGAGAATATGATGAAGGCTTTTCCTGAA-3'
Protein context (NP_055519.1, residues 351-371): TISPQHSAVD[Pro361Leu]LLPATDPHPK